The following is an entry in ClinVar:

ClinVar aggregate classification (germline): Conflicting classifications of pathogenicity. Review status: criteria provided, conflicting classifications (1 of 4 stars). 3 submissions from 3 submitters: Uncertain significance (2); Likely benign (1). Last evaluated 2026-07-01.

Conditions:
Familial temporal lobe epilepsy 7. Identifiers: Orphanet 101046, MedGen C4225327, MONDO:0014639, OMIM 616436.
Norman-Roberts syndrome (LIS2). Also called: Lissencephaly 2 (Norman-Roberts type). Identifiers: Orphanet 89844, MedGen C0796089, MONDO:0009760, OMIM 257320.
Inborn genetic diseases. Identifiers: MedGen C0950123, MeSH D030342.

Allele frequency attached by ClinVar (database versions not stated): gnomAD exomes 0.00001; ExAC 0.00002; gnomAD 0.00003; TOPMed 0.00003.
gnomAD v4.1: 14 of 1,613,918 alleles (0.00087%); highest among the groups gnomAD compares: African/African-American, 0.0027%; no homozygotes.

Submissions (3):

CeGaT Center for Human Genetics Tuebingen
Classification: Uncertain significance. Last evaluated: 2026-07-01. Review status: criteria provided, single submitter. Criteria: CeGaT Center For Human Genetics Tuebingen Variant Classification Criteria Version 2. Collection method: clinical testing. Allele origin: germline. Affected: yes. Observed: 1 variant allele.
Comment: RELN: PM2

Ambry Genetics
Classification: Uncertain significance for Inborn genetic diseases. Last evaluated: 2024-11-25. Review status: criteria provided, single submitter. Criteria: Ambry Variant Classification Scheme 2023. Collection method: clinical testing. Allele origin: germline.

Labcorp Genetics (formerly Invitae), Labcorp
Classification: Likely benign for Familial temporal lobe epilepsy 7; Norman-Roberts syndrome. Last evaluated: 2022-12-07. Review status: criteria provided, single submitter. Criteria: Invitae Variant Classification Sherloc (09022015). Collection method: clinical testing. Allele origin: germline.

NM_005045.4(RELN):c.8692A>G (p.Ser2898Gly)

Genes: RELN (reelin; minus strand), SLC26A5-AS1 (SLC26A5 antisense RNA 1; plus strand). Cytogenetic location: 7q22.1.
Variant type: single nucleotide variant.
Coding change: c.8692A>G on transcript NM_005045.4 (MANE Select); coding-DNA position 8692, A replaced by G.
Protein change: p.Ser2898Gly; replaces serine 2898 with glycine.
Molecular consequence: missense variant.
Genome position (GRCh38, 1-based): chr7:103,498,228, T>C on the plus strand (A>G on the coding strand, the complement: RELN is on the minus strand). VCF-style: chr7-103498228-T-C. GRCh37 (hg19) VCF-style: chr7-103138675-T-C.
Other names: c.8692A>G, p.Ser2898Gly (NM_173054.3); c.8692A>G (NM_005045.3); short protein forms S2898G.
Identifiers: ClinVar variation 1394132 (VCV001394132.9), dbSNP rs773262289, ClinGen allele CA4420398.